The following is an entry in ClinVar:

ClinVar aggregate classification (germline): Uncertain significance (1 of 4 stars; one submission).

Allele frequency attached by ClinVar (database versions not stated): gnomAD exomes 0.00001.
gnomAD v4.1: 3 of 1,194,801 alleles (0.00025%); highest among the groups gnomAD compares: East Asian, 0.003%; no homozygotes.

Submission:

GeneDx
Classification: Uncertain significance. Last evaluated: 2024-10-24. Review status: criteria provided, single submitter. Criteria: GeneDx Variant Classification Process June 2021. Collection method: clinical testing. Allele origin: germline. Affected: yes.
Comment: In silico analysis supports that this missense variant has a deleterious effect on protein structure/function; Has not been previously published as pathogenic or benign to our knowledge

NM_002025.4(AFF2):c.1558C>A (p.Pro520Thr)

Gene: AFF2 (ALF transcription elongation factor 2; plus strand). Cytogenetic location: Xq28.
Variant type: single nucleotide variant.
Coding change: c.1558C>A on transcript NM_002025.4 (MANE Select); coding-DNA position 1558, C replaced by A.
Protein change: p.Pro520Thr; replaces proline 520 with threonine.
Molecular consequence: missense variant.
Genome position (GRCh38, 1-based): chrX:148,955,603, C>A. VCF-style: chrX-148955603-C-A. GRCh37 (hg19) VCF-style: chrX-148037133-C-A.
Other names: c.1459C>A, p.Pro487Thr (NM_001169122.2); c.1528C>A, p.Pro510Thr (NM_001169123.2); c.1453C>A, p.Pro485Thr (NM_001169124.2); c.1441C>A, p.Pro481Thr (NM_001169125.2); c.481C>A, p.Pro161Thr (NM_001170628.1); short protein forms P520T, P485T, P487T, P161T, P481T, P510T.
Identifiers: ClinVar variation 451356 (VCV000451356.4), dbSNP rs899028170, ClinGen allele CA414512664.